The following is an entry in ClinVar:

NM_002709.3(PPP1CB):c.682G>A (p.Ala228Thr)

Gene: PPP1CB (protein phosphatase 1 catalytic subunit beta; plus strand). Cytogenetic location: 2p23.2.
Variant type: single nucleotide variant.
Coding change: c.682G>A on transcript NM_002709.3 (MANE Select); coding-DNA position 682, G replaced by A.
Protein change: p.Ala228Thr; replaces alanine 228 with threonine.
Molecular consequence: missense variant.
Genome position (GRCh38, 1-based): chr2:28,788,747, G>A. VCF-style: chr2-28788747-G-A. GRCh37 (hg19) VCF-style: chr2-29011613-G-A.
Other names: c.682G>A, p.Ala228Thr (NM_206876.2); short protein forms A228T.
Identifiers: ClinVar variation 3682168 (VCV003682168.2).

ClinVar aggregate classification (germline): Uncertain significance (1 of 4 stars; one submission).

Submission:

Labcorp Genetics (formerly Invitae), Labcorp
Classification: Uncertain significance. Last evaluated: 2024-11-04. Review status: criteria provided, single submitter. Criteria: Invitae Variant Classification Sherloc (09022015). Collection method: clinical testing. Allele origin: germline.
Comment: This sequence change replaces alanine, which is neutral and non-polar, with threonine, which is neutral and polar, at codon 228 of the PPP1CB protein (p.Ala228Thr). This variant is not present in population databases (gnomAD no frequency). This variant has not been reported in the literature in individuals affected with PPP1CB-related conditions. Invitae Evidence Modeling of protein sequence and biophysical properties (such as structural, functional, and spatial information, amino acid conservation, physicochemical variation, residue mobility, and thermodynamic stability) indicates that this missense variant is not expected to disrupt PPP1CB protein function with a negative predictive value of 80%. In summary, the available evidence is currently insufficient to determine the role of this variant in disease. Therefore, it has been classified as a Variant of Uncertain Significance.